The following is an entry in ClinVar:

NM_002485.5(NBN):c.520C>A (p.Pro174Thr)

Gene: NBN (nibrin; minus strand). Cytogenetic location: 8q21.3.
Variant type: single nucleotide variant.
Coding change: c.520C>A on transcript NM_002485.5 (MANE Select); coding-DNA position 520, C replaced by A.
Protein change: p.Pro174Thr; replaces proline 174 with threonine.
Molecular consequence: missense variant.
Genome position (GRCh38, 1-based): chr8:89,978,284, G>T on the plus strand (C>A on the coding strand, the complement: NBN is on the minus strand). VCF-style: chr8-89978284-G-T. GRCh37 (hg19) VCF-style: chr8-90990512-G-T.
Other names: c.274C>A, p.Pro92Thr (NM_001024688.3); short protein forms P174T, P92T.
Identifiers: ClinVar variation 134875 (VCV000134875.18), dbSNP rs587778546, ClinGen allele CA160984.

ClinVar aggregate classification (germline): Uncertain significance. Review status: criteria provided, multiple submitters, no conflicts (2 of 4 stars). 5 submissions from 5 submitters: Uncertain significance (4). 1 of the submissions does not count toward it. Last evaluated 2025-01-05.

Conditions:
Hereditary cancer-predisposing syndrome. Also called: Tumor predisposition; Hereditary neoplastic syndrome; Neoplastic Syndromes, Hereditary; Hereditary Cancer Syndrome. Identifiers: Orphanet 140162, MedGen C0027672, MeSH D009386, MONDO:0015356.
Microcephaly, normal intelligence and immunodeficiency (NBS). Also called: BERLIN BREAKAGE SYNDROME; IMMUNODEFICIENCY, MICROCEPHALY, AND CHROMOSOMAL INSTABILITY; Ataxia telangiectasia variant V1; SEEMANOVA SYNDROME II; Immunodeficiency, microcephaly with normal intelligence; Nijmegen breakage syndrome. Identifiers: Orphanet 647, MedGen C0398791, MONDO:0009623, OMIM 251260.

Allele frequency attached by ClinVar (database versions not stated): gnomAD exomes below 0.00001; ExAC 0.00001; gnomAD 0.00001; TOPMed 0.00001.
gnomAD v4.1: 5 of 1,597,950 alleles (0.00031%); highest among the groups gnomAD compares: Admixed American, 0.0067%; no homozygotes.

Submissions (5):

Ambry Genetics
Classification: Uncertain significance for Hereditary cancer-predisposing syndrome. Last evaluated: 2025-01-05. Review status: criteria provided, single submitter. Criteria: Ambry Variant Classification Scheme 2023. Collection method: clinical testing. Allele origin: germline.
Comment: The p.P174T variant (also known as c.520C>A), located in coding exon 5 of the NBN gene, results from a C to A substitution at nucleotide position 520. The proline at codon 174 is replaced by threonine, an amino acid with highly similar properties. This amino acid position is highly conserved in available vertebrate species. In addition, this alteration is predicted to be deleterious by in silico analysis. Since supporting evidence is limited at this time, the clinical significance of this alteration remains unclear.

Labcorp Genetics (formerly Invitae), Labcorp
Classification: Uncertain significance for Microcephaly, normal intelligence and immunodeficiency. Last evaluated: 2022-05-27. Review status: criteria provided, single submitter. Criteria: Invitae Variant Classification Sherloc (09022015). Collection method: clinical testing. Allele origin: germline.
Comment: This sequence change replaces proline, which is neutral and non-polar, with threonine, which is neutral and polar, at codon 174 of the NBN protein (p.Pro174Thr). This variant is present in population databases (rs587778546, gnomAD 0.0009%). This variant has not been reported in the literature in individuals affected with NBN-related conditions. ClinVar contains an entry for this variant (Variation ID: 134875). Algorithms developed to predict the effect of missense changes on protein structure and function are either unavailable or do not agree on the potential impact of this missense change (SIFT: "Tolerated"; PolyPhen-2: "Probably Damaging"; Align-GVGD: "Class C0"). In summary, the available evidence is currently insufficient to determine the role of this variant in disease. Therefore, it has been classified as a Variant of Uncertain Significance.

Genome-Nilou Lab
Classification: Uncertain significance for Microcephaly, normal intelligence and immunodeficiency. Last evaluated: 2021-11-07. Review status: criteria provided, single submitter. Criteria: ACMG Guidelines, 2015. Collection method: clinical testing. Allele origin: germline. Affected: no.

Sema4
Classification: Uncertain significance for Hereditary cancer-predisposing syndrome. Last evaluated: 2021-10-27. Review status: criteria provided, single submitter. Criteria: Sema4 Curation Guidelines. Collection method: curation. Allele origin: germline.
Comment: The NBN c.520C>A (p.P174T) variant has been reported in 1/60466 breast cancer cases and 0/53461 healthy controls by a large case-control study (PMID: 33471991). It was observed in 1/113640 chromosomes of the Non-Finnish European subpopulation in the large and broad cohorts of the Genome Aggregation Database (PMID: 32461654). The variant has been reported in ClinVar (Variation ID: 134875). Functional studies have not been performed, and in silico predictions of the variant's effect on protein function are inconclusive. The evidence is insufficient to meet ACMG/AMP criteria for classifying the variant as benign or pathogenic. Thus, the clinical significance of this variant is currently uncertain.

ITMI
No classification provided. Condition: AllHighlyPenetrant. Last evaluated: 2013-09-19. Review status: no classification provided. Collection method: reference population. Allele origin: germline. Not counted in ClinVar's aggregate classification.
Comment: Please see associated publication for description of ethnicities

Literature cited by the submitters: PubMed 33471991 (cited by Sema4); PubMed 24728327 (cited by ITMI).